The following is an entry in ClinVar:

NM_032119.4(ADGRV1):c.16949C>G (p.Thr5650Ser)

Gene: ADGRV1 (adhesion G protein-coupled receptor V1; plus strand). Cytogenetic location: 5q14.3.
Variant type: single nucleotide variant.
Coding change: c.16949C>G on transcript NM_032119.4 (MANE Select); coding-DNA position 16949, C replaced by G.
Protein change: p.Thr5650Ser; replaces threonine 5650 with serine.
Molecular consequence: missense variant. On other transcripts: non-coding transcript variant (1).
Genome position (GRCh38, 1-based): chr5:90,840,915, C>G. VCF-style: chr5-90840915-C-G. GRCh37 (hg19) VCF-style: chr5-90136732-C-G.
Other names: short protein forms T5650S.
Identifiers: ClinVar variation 226645 (VCV000226645.19), dbSNP rs61748627, ClinGen allele CA3342256.

ClinVar aggregate classification (germline): Benign. Review status: criteria provided, multiple submitters, no conflicts (2 of 4 stars). 5 submissions from 5 submitters: Benign (5). Last evaluated 2026-01-28.

Conditions:
Usher syndrome type 2C. Also called: Usher syndrome, type 2B; USHER SYNDROME, TYPE IIC. Identifiers: Orphanet 231178, Orphanet 886, MedGen C2931213, MONDO:0011558, OMIM 605472.

Allele frequency attached by ClinVar (database versions not stated): gnomAD exomes 0.00104; ExAC 0.00115; gnomAD 0.00303; ESP Exome Variant Server 0.00388; TOPMed 0.00408; 1000 Genomes Project 0.00559; 1000 Genomes Project 30x 0.00593.
gnomAD v4.1: 1,084 of 1,545,104 alleles (0.07%); highest among the groups gnomAD compares: African/African-American, 1.3%; 9 homozygotes.

Submissions (5):

Labcorp Genetics (formerly Invitae), Labcorp
Classification: Benign. Last evaluated: 2026-01-28. Review status: criteria provided, single submitter. Criteria: Invitae Variant Classification Sherloc (09022015). Collection method: clinical testing. Allele origin: germline.

GeneDx
Classification: Benign. Last evaluated: 2018-05-23. Review status: criteria provided, single submitter. Criteria: GeneDx Variant Classification (06012015). Collection method: clinical testing. Allele origin: germline. Affected: yes.
Comment: This variant is considered likely benign or benign based on one or more of the following criteria: it is a conservative change, it occurs at a poorly conserved position in the protein, it is predicted to be benign by multiple in silico algorithms, and/or has population frequency not consistent with disease.

Athena Diagnostics
Classification: Benign. Last evaluated: 2018-01-24. Review status: criteria provided, single submitter. Criteria: Athena Diagnostics Criteria. Collection method: clinical testing. Allele origin: germline.

Illumina Laboratory Services, Illumina
Classification: Benign for Usher syndrome type 2C. Last evaluated: 2017-07-05. Review status: criteria provided, single submitter. Criteria: ICSL Variant Classification Criteria 13 December 2019. Collection method: clinical testing. Allele origin: germline.
Comment: This variant was observed as part of a predisposition screen in an ostensibly healthy population. A literature search was performed for the gene, cDNA change, and amino acid change (where applicable). No publications were found based on this search. Allele frequency data from public databases was too high to be consistent with this variant causing disease. Therefore, this variant is classified as benign.

Laboratory for Molecular Medicine, Mass General Brigham Personalized Medicine
Classification: Benign. Last evaluated: 2012-04-30. Review status: criteria provided, single submitter. Criteria: LMM Criteria. Collection method: clinical testing. Allele origin: germline. Observed: 5 variant alleles.
Comment: Thr5650Ser in Exon 78 of GPR98: This variant is not expected to have clinical si gnificance because it has been identified in 1.1% (38/3320) of African American chromosomes from a broad population by the NHLBI Exome Sequencing Project (dbSNP rs61748627).